The following is an entry in ClinVar:

ClinVar aggregate classification (germline): Uncertain significance (1 of 4 stars; one submission).

Conditions:
Spastic paraplegia. Identifiers: MedGen C0037772, HP:0001258.

Submission:

Labcorp Genetics (formerly Invitae), Labcorp
Classification: Uncertain significance for Spastic paraplegia. Last evaluated: 2018-04-27. Review status: criteria provided, single submitter. Criteria: Invitae Variant Classification Sherloc (09022015). Collection method: clinical testing. Allele origin: germline.
Comment: This sequence change replaces leucine with arginine at codon 413 of the SLC16A2 protein (p.Leu413Arg). The leucine residue is moderately conserved and there is a moderate physicochemical difference between leucine and arginine. In summary, the available evidence is currently insufficient to determine the role of this variant in disease. Therefore, it has been classified as a Variant of Uncertain Significance. Algorithms developed to predict the effect of missense changes on protein structure and function (SIFT, PolyPhen-2, Align-GVGD) all suggest that this variant is likely to be disruptive, but these predictions have not been confirmed by published functional studies and their clinical significance is uncertain. This variant has not been reported in the literature in individuals with SLC16A2-related disease. This variant is not present in population databases (ExAC no frequency).

NM_006517.5(SLC16A2):c.1238T>G (p.Leu413Arg)

Gene: SLC16A2 (solute carrier family 16 member 2; plus strand). Cytogenetic location: Xq13.2.
Variant type: single nucleotide variant.
Coding change: c.1238T>G on transcript NM_006517.5 (MANE Select); coding-DNA position 1238, T replaced by G.
Protein change: p.Leu413Arg; replaces leucine 413 with arginine.
Molecular consequence: missense variant.
Genome position (GRCh38, 1-based): chrX:74,529,280, T>G. VCF-style: chrX-74529280-T-G. GRCh37 (hg19) VCF-style: chrX-73749115-T-G.
Other names: short protein forms L413R.
Identifiers: ClinVar variation 582861 (VCV000582861.8), dbSNP rs1569300461, ClinGen allele CA413658304.